The following is an entry in ClinVar:

ClinVar aggregate classification (germline): Uncertain significance (1 of 4 stars; one submission).

Conditions:
Hereditary cancer-predisposing syndrome. Also called: Neoplastic Syndromes, Hereditary; Tumor predisposition; Hereditary neoplastic syndrome; Hereditary Cancer Syndrome. Identifiers: Orphanet 140162, MedGen C0027672, MeSH D009386, MONDO:0015356.

Submission:

Ambry Genetics
Classification: Uncertain significance for Hereditary cancer-predisposing syndrome. Last evaluated: 2026-07-29. Review status: criteria provided, single submitter. Criteria: Ambry Variant Classification Scheme 2023. Collection method: clinical testing. Allele origin: germline.
Comment: The p.F686L variant (also known as c.2056T>C), located in coding exon 12 of the PMS2 gene, results from a T to C substitution at nucleotide position 2056. The phenylalanine at codon 686 is replaced by leucine, an amino acid with highly similar properties. This amino acid position is conserved. In addition, this alteration is predicted to be deleterious by in silico analysis. Based on the available evidence, the clinical significance of this variant remains unclear.

NM_000535.7(PMS2):c.2056T>C (p.Phe686Leu)

Gene: PMS2 (PMS1 homolog 2, mismatch repair system component; minus strand). Cytogenetic location: 7p22.1.
Variant type: single nucleotide variant.
Coding change: c.2056T>C on transcript NM_000535.7 (MANE Select); coding-DNA position 2056, T replaced by C.
Protein change: p.Phe686Leu; replaces phenylalanine 686 with leucine.
Molecular consequence: missense variant. On other transcripts: non-coding transcript variant (1), intron variant (4).
Genome position (GRCh38, 1-based): chr7:5,982,942, A>G on the plus strand (T>C on the coding strand, the complement: PMS2 is on the minus strand). VCF-style: chr7-5982942-A-G. GRCh37 (hg19) VCF-style: chr7-6022573-A-G.
Other names: c.1651T>C, p.Phe551Leu (NM_001406888.1, NM_001406889.1, NM_001406890.1 and 14 more transcripts); c.1591T>C, p.Phe531Leu (NM_001406900.1); c.1582T>C, p.Phe528Leu (NM_001406901.1, NM_001406902.1); c.1543T>C, p.Phe515Leu (NM_001406904.1, NM_001406905.1); c.1495T>C, p.Phe499Leu (NM_001406906.1, NM_001406907.1, NM_001322010.2); c.1483T>C, p.Phe495Leu (NM_001406909.1, NM_001322013.2); c.1285T>C, p.Phe429Leu (NM_001406911.1); c.853T>C, p.Phe285Leu (NM_001406912.1); and 16 more; short protein forms F375L, F515L, F620L, F634L, F429L, F531L, F583L, F748L.
Identifiers: ClinVar variation 5026931 (VCV005026931.1).